The following is an entry in ClinVar:

NM_004408.4(DNM1):c.890G>A (p.Arg297Gln)

Gene: DNM1 (dynamin 1; plus strand). Cytogenetic location: 9q34.11.
Variant type: single nucleotide variant.
Coding change: c.890G>A on transcript NM_004408.4 (MANE Select); coding-DNA position 890, G replaced by A.
Protein change: p.Arg297Gln; replaces arginine 297 with glutamine.
Molecular consequence: missense variant.
Genome position (GRCh38, 1-based): chr9:128,222,237, G>A. VCF-style: chr9-128222237-G-A. GRCh37 (hg19) VCF-style: chr9-130984516-G-A.
Other names: c.890G>A, p.Arg297Gln (NM_001005336.3, NM_001288737.2, NM_001288738.2 and 2 more transcripts); short protein forms R297Q.
Identifiers: ClinVar variation 958793 (VCV000958793.10), dbSNP rs1321080189, ClinGen allele CA375014962.
Genomic context (GRCh38, chr9:128,222,237, plus strand): 5'-TTCCTCACCCTTACCCCCAGCAACTGACGAACCACATCCGGGACACACTGCCGGGGCTGC[G>A]GAACAAGCTGCAGAGCCAGCTACTGTCCATTGAGAAGGAGGTGGAGGAATACAAGAACTT-3'
Protein context (NP_004399.2, residues 287-307): NHIRDTLPGL[Arg297Gln]NKLQSQLLSI

ClinVar aggregate classification (germline): Uncertain significance. Review status: criteria provided, multiple submitters, no conflicts (2 of 4 stars). 2 submissions from 2 submitters: Uncertain significance (2). Last evaluated 2023-05-09.

Conditions:
Developmental and epileptic encephalopathy, 31A. Also called: Developmental and epileptic encephalopathy, 31; Epileptic encephalopathy, early infantile, 31. Identifiers: Orphanet 2382, MedGen C4225357, MONDO:0014598, OMIM 616346.

Allele frequency attached by ClinVar (database versions not stated): gnomAD 0.00001; TOPMed below 0.00001.
gnomAD v4.1: 10 of 1,613,972 alleles (0.00062%); highest among the groups gnomAD compares: Middle Eastern, 0.016%; no homozygotes.

Submissions (2):

Labcorp Genetics (formerly Invitae), Labcorp
Classification: Uncertain significance for Developmental and epileptic encephalopathy, 31A. Last evaluated: 2023-05-09. Review status: criteria provided, single submitter. Criteria: Invitae Variant Classification Sherloc (09022015). Collection method: clinical testing. Allele origin: germline.
Comment: In summary, the available evidence is currently insufficient to determine the role of this variant in disease. Therefore, it has been classified as a Variant of Uncertain Significance. Advanced modeling of protein sequence and biophysical properties (such as structural, functional, and spatial information, amino acid conservation, physicochemical variation, residue mobility, and thermodynamic stability) performed at Invitae indicates that this missense variant is expected to disrupt DNM1 protein function. ClinVar contains an entry for this variant (Variation ID: 958793). This variant has not been reported in the literature in individuals affected with DNM1-related conditions. This variant is present in population databases (no rsID available, gnomAD 0.003%). This sequence change replaces arginine, which is basic and polar, with glutamine, which is neutral and polar, at codon 297 of the DNM1 protein (p.Arg297Gln).

GeneDx
Classification: Uncertain significance. Last evaluated: 2020-01-10. Review status: criteria provided, single submitter. Criteria: GeneDx Variant Classification Process June 2021. Collection method: clinical testing. Allele origin: germline. Affected: yes.
Comment: In silico analysis, which includes protein predictors and evolutionary conservation, supports a deleterious effect; Has not been previously published as pathogenic or benign to our knowledge